The following is an entry in ClinVar:

ClinVar aggregate classification (germline): Uncertain significance (1 of 4 stars; one submission).

Conditions:
Singleton-Merten syndrome 1 (SGMRT1). Also called: Widened medullary cavities of bone, aortic calcification, abnormal dentition, and muscular weakness; Syndrome of widened medullary cavities of the metacarpals and phalanges, aortic calcification and abnormal dentition. Identifiers: Orphanet 85191, MedGen C4225427, MONDO:0024535, OMIM 182250.
Aicardi-Goutieres syndrome 7 (AGS7). Identifiers: Orphanet 51, MedGen C3888244, MONDO:0014367, OMIM 615846.

Submission:

Labcorp Genetics (formerly Invitae), Labcorp
Classification: Uncertain significance for Aicardi-Goutieres syndrome 7; Singleton-Merten syndrome 1. Last evaluated: 2024-07-11. Review status: criteria provided, single submitter. Criteria: Invitae Variant Classification Sherloc (09022015). Collection method: clinical testing. Allele origin: germline.
Comment: This sequence change replaces cysteine, which is neutral and slightly polar, with tyrosine, which is neutral and polar, at codon 951 of the IFIH1 protein (p.Cys951Tyr). This variant is not present in population databases (gnomAD no frequency). This variant has not been reported in the literature in individuals affected with IFIH1-related conditions. Advanced modeling of protein sequence and biophysical properties (such as structural, functional, and spatial information, amino acid conservation, physicochemical variation, residue mobility, and thermodynamic stability) has been performed at Invitae for this missense variant, however the output from this modeling did not meet the statistical confidence thresholds required to predict the impact of this variant on IFIH1 protein function. In summary, the available evidence is currently insufficient to determine the role of this variant in disease. Therefore, it has been classified as a Variant of Uncertain Significance.

NM_022168.4(IFIH1):c.2852G>A (p.Cys951Tyr)

Gene: IFIH1 (interferon induced with helicase C domain 1; minus strand). Cytogenetic location: 2q24.2.
Variant type: single nucleotide variant.
Coding change: c.2852G>A on transcript NM_022168.4 (MANE Select); coding-DNA position 2852, G replaced by A.
Protein change: p.Cys951Tyr; replaces cysteine 951 with tyrosine.
Molecular consequence: missense variant.
Genome position (GRCh38, 1-based): chr2:162,267,525, C>T on the plus strand (G>A on the coding strand, the complement: IFIH1 is on the minus strand). VCF-style: chr2-162267525-C-T. GRCh37 (hg19) VCF-style: chr2-163124035-C-T.
Other names: short protein forms C951Y.
Identifiers: ClinVar variation 3749375 (VCV003749375.2).
Genomic context (GRCh38, chr2:162,267,525, plus strand): 5'-AGCAATTTACTCACCTGGCCACATTTGCAGATGATTTCACCATTTATTTGATAGTCGGCA[C>T]ACTTCTTTTGCAGTGCTTTGTTTTCTCTTACAATGTAAAGTTCCCTATAAGTATCAAAGG-3'
Protein context (NP_071451.2, residues 941-961): VRENKALQKK[Cys951Tyr]ADYQINGEII